The following is an entry in ClinVar:

ClinVar aggregate classification (germline): Benign (1 of 4 stars; one submission).

Allele frequency attached by ClinVar (database versions not stated): gnomAD 0.04407 and 0.04607; 1000 Genomes Project 0.04673; 1000 Genomes Project 30x 0.04934; TOPMed 0.04945.
gnomAD v4.1: 6,661 of 151,946 alleles (4.4%); highest among the groups gnomAD compares: African/African-American, 12%; 343 homozygotes.

Submission:

GeneDx
Classification: Benign. Last evaluated: 2018-06-14. Review status: criteria provided, single submitter. Criteria: GeneDx Variant Classification (06012015). Collection method: clinical testing. Allele origin: germline. Affected: yes.
Comment: This variant is considered likely benign or benign based on one or more of the following criteria: it is a conservative change, it occurs at a poorly conserved position in the protein, it is predicted to be benign by multiple in silico algorithms, and/or has population frequency not consistent with disease.

NM_016373.4(WWOX):c.231-233G>A

Gene: WWOX (WW domain containing oxidoreductase; plus strand). Cytogenetic location: 16q23.1.
Variant type: single nucleotide variant.
Coding change: c.231-233G>A on transcript NM_016373.4 (MANE Select); 233 bases into the intron before coding-DNA position 231, G replaced by A.
Molecular consequence: intron variant.
Genome position (GRCh38, 1-based): chr16:78,114,743, G>A. VCF-style: chr16-78114743-G-A. GRCh37 (hg19) VCF-style: chr16-78148640-G-A.
Other names: c.-109-233G>A (NM_001291997.2); c.231-233G>A (NM_130791.5).
Identifiers: ClinVar variation 672623 (VCV000672623.1), dbSNP rs7200257, ClinGen allele CA14317813.
Genomic context (GRCh38, chr16:78,114,743, plus strand): 5'-CTTCTCAAGAAGCCTTTTTTGAGATCTAAGGATACATGGCAATAGTTATTGTATGTTACA[G>A]CGTATGTTATAGGCAGTTCTGAAGGAAAGGATTCGATGACTATCTTTTTTTGGCACAAAT-3'